The following is an entry in ClinVar:

ClinVar aggregate classification (germline): Uncertain significance (1 of 4 stars; one submission).

Conditions:
Agammaglobulinemia 2, autosomal recessive (AGM2). Also called: AGAMMAGLOBULINEMIA, AUTOSOMAL RECESSIVE, DUE TO IGLL1 DEFECT. Identifiers: MedGen C3150750, MONDO:0013287, OMIM 613500.

Submission:

Labcorp Genetics (formerly Invitae), Labcorp
Classification: Uncertain significance for Agammaglobulinemia 2, autosomal recessive. Last evaluated: 2025-07-21. Review status: criteria provided, single submitter. Criteria: Invitae Variant Classification Sherloc (09022015). Collection method: clinical testing. Allele origin: germline.
Comment: This sequence change replaces threonine, which is neutral and polar, with proline, which is neutral and non-polar, at codon 78 of the IGLL1 protein (p.Thr78Pro). This variant is not present in population databases (gnomAD no frequency). This variant has not been reported in the literature in individuals affected with IGLL1-related conditions. ClinVar contains an entry for this variant (Variation ID: 1397988). An algorithm developed to predict the effect of missense changes on protein structure and function (PolyPhen-2) suggests that this variant is likely to be tolerated. In summary, the available evidence is currently insufficient to determine the role of this variant in disease. Therefore, it has been classified as a Variant of Uncertain Significance.

NM_020070.4(IGLL1):c.232A>C (p.Thr78Pro)

Gene: IGLL1 (immunoglobulin lambda like polypeptide 1; minus strand). Cytogenetic location: 22q11.23.
Variant type: single nucleotide variant.
Coding change: c.232A>C on transcript NM_020070.4 (MANE Select); coding-DNA position 232, A replaced by C.
Protein change: p.Thr78Pro; replaces threonine 78 with proline.
Molecular consequence: missense variant. On other transcripts: intron variant (1).
Genome position (GRCh38, 1-based): chr22:23,575,057, T>G on the plus strand (A>C on the coding strand, the complement: IGLL1 is on the minus strand). VCF-style: chr22-23575057-T-G. GRCh37 (hg19) VCF-style: chr22-23917244-T-G.
Other names: c.235A>C, p.Thr79Pro (NM_001369906.1); c.207-1472A>C (NM_152855.3); short protein forms T78P, T79P.
Identifiers: ClinVar variation 1397988 (VCV001397988.8), dbSNP rs2123698257, ClinGen allele CA410899208.